The following is an entry in ClinVar:

ClinVar aggregate classification (germline): Uncertain significance (1 of 4 stars; one submission).

Conditions:
Familial cancer of breast. Also called: Hereditary breast cancer; BREAST CANCER, FAMILIAL; hereditary breast carcinoma. Identifiers: Orphanet 227535, MedGen C0346153, MONDO:0016419, OMIM 114480. Disease mechanism: loss of function.

gnomAD v4.1: 1 of 1,563,844 alleles (0.000064%); highest among the groups gnomAD compares: Non-Finnish European, 0.000088%; no homozygotes.

Submission:

Labcorp Genetics (formerly Invitae), Labcorp
Classification: Uncertain significance for Familial cancer of breast. Last evaluated: 2024-12-22. Review status: criteria provided, single submitter. Criteria: Invitae Variant Classification Sherloc (09022015). Collection method: clinical testing. Allele origin: germline.
Comment: This sequence change falls in intron 8 of the PALB2 gene. It does not directly change the encoded amino acid sequence of the PALB2 protein. It affects a nucleotide within the consensus splice site. This variant is not present in population databases (gnomAD no frequency). This variant has not been reported in the literature in individuals affected with PALB2-related conditions. Variants that disrupt the consensus splice site are a relatively common cause of aberrant splicing (PMID: 17576681, 9536098). Studies have shown that this variant does not affect mRNA splicing (PMID: 34846068). In summary, the available evidence is currently insufficient to determine the role of this variant in disease. Therefore, it has been classified as a Variant of Uncertain Significance.

Literature cited by the submitters: PubMed 17576681; PubMed 9536098; PubMed 34846068.

NM_024675.4(PALB2):c.2834+6T>C

Gene: PALB2 (partner and localizer of BRCA2; minus strand). Cytogenetic location: 16p12.2.
Variant type: single nucleotide variant.
Coding change: c.2834+6T>C on transcript NM_024675.4 (MANE Select); 6 bases into the intron after coding-DNA position 2834, T replaced by C.
Molecular consequence: intron variant.
Genome position (GRCh38, 1-based): chr16:23,624,003, A>G on the plus strand (T>C on the coding strand, the complement: PALB2 is on the minus strand). VCF-style: chr16-23624003-A-G. GRCh37 (hg19) VCF-style: chr16-23635324-A-G.
Other names: c.1949+6T>C (NM_001407308.1, NM_001407306.1, NM_001407309.1 and 4 more transcripts); c.368+6T>C (NM_001407314.1); c.1046+6T>C (NM_001407313.1, NM_001407312.1); c.2774+6T>C (NM_001407296.1); c.2762+6T>C (NM_001407297.1); c.2672+6T>C (NM_001407302.1, NM_001407298.1); c.2834+6T>C (NM_001407300.1, NM_001407299.1, NM_001407301.1); c.1787+6T>C (NM_001407307.1).
Identifiers: ClinVar variation 3727724 (VCV003727724.2).